The following is an entry in ClinVar:

NM_015213.4(DENND5A):c.1510GAA[2] (p.Glu506del)

Gene: DENND5A (DENN domain containing 5A; minus strand). Cytogenetic location: 11p15.4.
Variant type: Microsatellite.
Coding change: c.1510GAA[2] on transcript NM_015213.4 (MANE Select); two copies in a row of the 3-base unit GAA starting at c.1510; the reference has three copies in a row; one copy, 3 bases deleted.
Protein change: p.Glu506del; deletes glutamic acid 506.
Molecular consequence: inframe deletion. On other transcripts: inframe indel (1), non-coding transcript variant (1).
Genome position (GRCh38, 1-based): chr11:9,179,011-9,179,013, TTC deleted on the plus strand (GAA on the coding strand, the reverse complement: DENND5A is on the minus strand); deleting any 3 consecutive bases within chr11:9,179,011-9,179,019 gives the same sequence; the position shown is the placement nearest the transcript's 3' end. VCF-style (leftmost placement, unchanged base first): chr11-9179010-GTTC-G. GRCh37 (hg19) VCF-style: chr11-9200557-GTTC-G.
Other names: c.1510GAA[2], p.Glu506del (NM_001243254.2); c.1510_1512GAA[2], p.Glu506del (NM_001348748.1); c.1438GAA[2], p.Glu482del (NM_001348749.2); c.1222GAA[2], p.Glu410del (NM_001348750.2); short protein forms E410del, E482del, E506del.
Identifiers: ClinVar variation 2428096 (VCV002428096.5), dbSNP rs1190169465, ClinGen allele CA597442316.

ClinVar aggregate classification (germline): Uncertain significance (1 of 4 stars; one submission).

Submission:

Labcorp Genetics (formerly Invitae), Labcorp
Classification: Uncertain significance. Last evaluated: 2022-12-06. Review status: criteria provided, single submitter. Criteria: Invitae Variant Classification Sherloc (09022015). Collection method: clinical testing. Allele origin: germline.
Comment: This variant, c.1516_1518del, results in the deletion of 1 amino acid(s) of the DENND5A protein (p.Glu506del), but otherwise preserves the integrity of the reading frame. This variant is present in population databases (no rsID available, gnomAD 0.003%). This variant has not been reported in the literature in individuals affected with DENND5A-related conditions. Experimental studies and prediction algorithms are not available or were not evaluated, and the functional significance of this variant is currently unknown. In summary, the available evidence is currently insufficient to determine the role of this variant in disease. Therefore, it has been classified as a Variant of Uncertain Significance.